The following is an entry in ClinVar:

ClinVar aggregate classification (germline): Uncertain significance (1 of 4 stars; one submission).

Conditions:
Inborn genetic diseases. Identifiers: MedGen C0950123, MeSH D030342.

Submission:

Ambry Genetics
Classification: Uncertain significance for Inborn genetic diseases. Last evaluated: 2024-07-03. Review status: criteria provided, single submitter. Criteria: Ambry Variant Classification Scheme 2023. Collection method: clinical testing. Allele origin: germline.
Comment: The p.R2446P variant (also known as c.7337G>C), located in coding exon 49 of the LRRK2 gene, results from a G to C substitution at nucleotide position 7337. The arginine at codon 2446 is replaced by proline, an amino acid with dissimilar properties. This amino acid position is conserved. In addition, the in silico prediction for this alteration is inconclusive. Based on the available evidence, the clinical significance of this variant remains unclear.

NM_198578.4(LRRK2):c.7337G>C (p.Arg2446Pro)

Gene: LRRK2 (leucine rich repeat kinase 2; plus strand). Cytogenetic location: 12q12.
Variant type: single nucleotide variant.
Coding change: c.7337G>C on transcript NM_198578.4 (MANE Select); coding-DNA position 7337, G replaced by C.
Protein change: p.Arg2446Pro; replaces arginine 2446 with proline.
Molecular consequence: missense variant.
Genome position (GRCh38, 1-based): chr12:40,364,997, G>C. VCF-style: chr12-40364997-G-C. GRCh37 (hg19) VCF-style: chr12-40758799-G-C.
Other names: short protein forms R2446P.
Identifiers: ClinVar variation 3540565 (VCV003540565.1).
Genomic context (GRCh38, chr12:40,364,997, plus strand): 5'-GGATAGGAACTGGAGGAGGCCATATTTTACTCCTGGATCTTTCAACTCGTCGACTTATAC[G>C]TGTAATTTACAACTTTTGTAATTCGGTCAGAGTCATGATGACAGCACAGCTAGGCAAGTT-3'
Protein context (NP_940980.4, residues 2436-2456): LLDLSTRRLI[Arg2446Pro]VIYNFCNSVR